The following is an entry in ClinVar:

NM_006660.5(CLPX):c.1808T>A (p.Ile603Asn)

Gene: CLPX (caseinolytic mitochondrial matrix peptidase chaperone subunit X; minus strand). Cytogenetic location: 15q22.31.
Variant type: single nucleotide variant.
Coding change: c.1808T>A on transcript NM_006660.5 (MANE Select); coding-DNA position 1808, T replaced by A.
Protein change: p.Ile603Asn; replaces isoleucine 603 with asparagine.
Molecular consequence: missense variant. On other transcripts: non-coding transcript variant (1).
Genome position (GRCh38, 1-based): chr15:65,152,433, A>T on the plus strand (T>A on the coding strand, the complement: CLPX is on the minus strand). VCF-style: chr15-65152433-A-T. GRCh37 (hg19) VCF-style: chr15-65444771-A-T.
Other names: short protein forms I603N.
Identifiers: ClinVar variation 3619932 (VCV003619932.2).
Genomic context (GRCh38, chr15:65,152,433, plus strand): 5'-GCAATGAGGAGCTCATCTTAAATTTTGTATCTGTTCTGGCTTGAAAATACACTTTACCGG[A>T]TGTATCCTGGTTCCTTTTTTCCTTCTACTACTTCTTTGTCAACCTCCACACATACGATAT-3'
Protein context (NP_006651.2, residues 593-613): VVEGKKEPGY[Ile603Asn]RAPTKESSEE

ClinVar aggregate classification (germline): Uncertain significance (1 of 4 stars; one submission).

Submission:

Labcorp Genetics (formerly Invitae), Labcorp
Classification: Uncertain significance. Last evaluated: 2025-01-22. Review status: criteria provided, single submitter. Criteria: Invitae Variant Classification Sherloc (09022015). Collection method: clinical testing. Allele origin: germline.
Comment: This sequence change replaces isoleucine, which is neutral and non-polar, with asparagine, which is neutral and polar, at codon 603 of the CLPX protein (p.Ile603Asn). This variant is present in population databases (rs764272247, gnomAD 0.02%). This variant has not been reported in the literature in individuals affected with CLPX-related conditions. Invitae Evidence Modeling of protein sequence and biophysical properties (such as structural, functional, and spatial information, amino acid conservation, physicochemical variation, residue mobility, and thermodynamic stability) indicates that this missense variant is not expected to disrupt CLPX protein function with a negative predictive value of 80%. In summary, the available evidence is currently insufficient to determine the role of this variant in disease. Therefore, it has been classified as a Variant of Uncertain Significance.